The following is an entry in ClinVar:

NM_001349338.3(FOXP1):c.1354_1356del (p.Ile452del)

Gene: FOXP1 (forkhead box P1; minus strand). Cytogenetic location: 3p13.
Variant type: Deletion.
Coding change: c.1354_1356del on transcript NM_001349338.3 (MANE Select); coding-DNA positions 1354 to 1356, 3 bases deleted (ATT; older notation c.1354_1356delATT).
Protein change: p.Ile452del; deletes isoleucine 452.
Molecular consequence: inframe deletion. On other transcripts: non-coding transcript variant (2).
Genome position (GRCh38, 1-based): chr3:70,977,715-70,977,717, AAT deleted on the plus strand (ATT on the coding strand, the reverse complement: FOXP1 is on the minus strand); deleting any 3 consecutive bases within chr3:70,977,715-70,977,718 gives the same sequence; the c. name uses the placement nearest the transcript's 3' end. VCF-style (leftmost placement, unchanged base first): chr3-70977714-CAAT-C. GRCh37 (hg19) VCF-style: chr3-71026865-CAAT-C.
Other names: c.1351_1353del, p.Ile451del (NM_001244808.3, NM_001349341.3); c.1354_1356del, p.Ile452del (NM_001244810.2, NM_001244814.3, NM_001244816.2 and 2 more transcripts); c.1126_1128del, p.Ile376del (NM_001244812.3); c.1054_1056del, p.Ile352del (NM_001244813.3, NM_001244815.2, NM_001349342.3); c.1051_1053del, p.Ile351del (NM_001349337.2, NM_001349343.3, NM_001349344.3 and 1 more transcripts); short protein forms I452del, I351del, I376del, I352del, I451del.
Identifiers: ClinVar variation 4727157 (VCV004727157.1).

ClinVar aggregate classification (germline): Uncertain significance (1 of 4 stars; one submission).

Submission:

Labcorp Genetics (formerly Invitae), Labcorp
Classification: Uncertain significance. Last evaluated: 2025-11-24. Review status: criteria provided, single submitter. Criteria: Invitae Variant Classification Sherloc (09022015). Collection method: clinical testing. Allele origin: germline.
Comment: This variant, c.1354_1356del, results in the deletion of 1 amino acid(s) of the FOXP1 protein (p.Ile452del), but otherwise preserves the integrity of the reading frame. This variant is not present in population databases (gnomAD no frequency). This variant has not been reported in the literature in individuals affected with FOXP1-related conditions. This variant has been observed in at least one individual who was not affected with FOXP1-related conditions (internal data). Experimental studies and prediction algorithms are not available or were not evaluated, and the functional significance of this variant is currently unknown. In summary, the available evidence is currently insufficient to determine the role of this variant in disease. Therefore, it has been classified as a Variant of Uncertain Significance.